The following is an entry in ClinVar:

NM_001369.3(DNAH5):c.9928C>G (p.Arg3310Gly)

Gene: DNAH5 (dynein axonemal heavy chain 5; minus strand). Cytogenetic location: 5p15.2.
Variant type: single nucleotide variant.
Coding change: c.9928C>G on transcript NM_001369.3 (MANE Select); coding-DNA position 9928, C replaced by G.
Protein change: p.Arg3310Gly; replaces arginine 3310 with glycine.
Molecular consequence: missense variant.
Genome position (GRCh38, 1-based): chr5:13,766,149, G>C on the plus strand (C>G on the coding strand, the complement: DNAH5 is on the minus strand). VCF-style: chr5-13766149-G-C. GRCh37 (hg19) VCF-style: chr5-13766258-G-C.
Other names: short protein forms R3310G.
Identifiers: ClinVar variation 2633623 (VCV002633623.1), dbSNP rs900076362, ClinGen allele CA359200331.

ClinVar aggregate classification (germline): Uncertain significance (1 of 4 stars; one submission).

Conditions:
DNAH5-related disorder. Also called: DNAH5-related condition.

Submission:

PreventionGenetics, part of Exact Sciences
Classification: Uncertain significance for DNAH5-related condition. Last evaluated: 2023-03-04. Review status: criteria provided, single submitter. Criteria: ACMG Guidelines, 2015. Collection method: clinical testing. Allele origin: germline.
Comment: The DNAH5 c.9928C>G variant is predicted to result in the amino acid substitution p.Arg3310Gly. To our knowledge, this variant has not been reported in the literature or in a large population database, indicating this variant is rare. At this time, the clinical significance of this variant is uncertain due to the absence of conclusive functional and genetic evidence.